The following is an entry in ClinVar:

NM_021098.3(CACNA1H):c.5368A>T (p.Thr1790Ser)

Gene: CACNA1H (calcium voltage-gated channel subunit alpha1 H; plus strand). Cytogenetic location: 16p13.3.
Variant type: single nucleotide variant.
Coding change: c.5368A>T on transcript NM_021098.3 (MANE Select); coding-DNA position 5368, A replaced by T.
Protein change: p.Thr1790Ser; replaces threonine 1790 with serine.
Molecular consequence: missense variant.
Genome position (GRCh38, 1-based): chr16:1,217,963, A>T. VCF-style: chr16-1217963-A-T. GRCh37 (hg19) VCF-style: chr16-1267963-A-T.
Other names: c.5350A>T, p.Thr1784Ser (NM_001005407.2); short protein forms T1784S, T1790S.
Identifiers: ClinVar variation 3364497 (VCV003364497.1).

ClinVar aggregate classification (germline): Uncertain significance (1 of 4 stars; one submission).

gnomAD v4.1: 1 of 1,605,248 alleles (0.000062%); highest among the groups gnomAD compares: Non-Finnish European, 0.000085%; no homozygotes.

Submission:

GeneDx
Classification: Uncertain significance. Last evaluated: 2023-11-17. Review status: criteria provided, single submitter. Criteria: GeneDx Variant Classification Process June 2021. Collection method: clinical testing. Allele origin: germline. Affected: yes.
Comment: Not observed at significant frequency in large population cohorts (gnomAD); In silico analysis supports that this missense variant has a deleterious effect on protein structure/function; Has not been previously published as pathogenic or benign to our knowledge